The following is an entry in ClinVar:

ClinVar aggregate classification (germline): Uncertain significance. Review status: criteria provided, multiple submitters, no conflicts (2 of 4 stars). 2 submissions from 2 submitters: Uncertain significance (2). Last evaluated 2022-08-20.

Conditions:
Mucopolysaccharidosis, MPS-IV-A (MPS4A). Also called: MPS IVA; GALACTOSAMINE-6-SULFATASE DEFICIENCY; GALNS DEFICIENCY; MORQUIO A DISEASE; Morquio syndrome A, mild; MORQUIO SYNDROME A. Identifiers: Orphanet 309297, Orphanet 582, MedGen C0086651, MONDO:0009659, OMIM 253000.

Allele frequency attached by ClinVar (database versions not stated): gnomAD exomes 0.00001; gnomAD 0.00002 and 0.00003; ExAC 0.00003; TOPMed 0.00003; ESP Exome Variant Server 0.00008.
gnomAD v4.1: 14 of 1,613,212 alleles (0.00087%); highest among the groups gnomAD compares: Middle Eastern, 0.016%; no homozygotes.

Submissions (2):

Labcorp Genetics (formerly Invitae), Labcorp
Classification: Uncertain significance for Mucopolysaccharidosis, MPS-IV-A. Last evaluated: 2022-08-20. Review status: criteria provided, single submitter. Criteria: Invitae Variant Classification Sherloc (09022015). Collection method: clinical testing. Allele origin: germline.
Comment: This sequence change replaces alanine, which is neutral and non-polar, with threonine, which is neutral and polar, at codon 102 of the GALNS protein (p.Ala102Thr). This variant is present in population databases (rs372585484, gnomAD 0.003%). This variant has not been reported in the literature in individuals affected with GALNS-related conditions. ClinVar contains an entry for this variant (Variation ID: 1472294). Advanced modeling of protein sequence and biophysical properties (such as structural, functional, and spatial information, amino acid conservation, physicochemical variation, residue mobility, and thermodynamic stability) performed at Invitae indicates that this missense variant is not expected to disrupt GALNS protein function. In summary, the available evidence is currently insufficient to determine the role of this variant in disease. Therefore, it has been classified as a Variant of Uncertain Significance.

Fulgent Genetics
Classification: Uncertain significance for Mucopolysaccharidosis, MPS-IV-A. Last evaluated: 2021-11-15. Review status: criteria provided, single submitter. Criteria: ACMG Guidelines, 2015. Collection method: clinical testing. Allele origin: unknown.

NM_000512.5(GALNS):c.304G>A (p.Ala102Thr)

Gene: GALNS (galactosamine (N-acetyl)-6-sulfatase; minus strand). Cytogenetic location: 16q24.3.
Variant type: single nucleotide variant.
Coding change: c.304G>A on transcript NM_000512.5 (MANE Select); coding-DNA position 304, G replaced by A.
Protein change: p.Ala102Thr; replaces alanine 102 with threonine.
Molecular consequence: missense variant. On other transcripts: 5 prime UTR variant (1).
Genome position (GRCh38, 1-based): chr16:88,841,912, C>T on the plus strand (G>A on the coding strand, the complement: GALNS is on the minus strand). VCF-style: chr16-88841912-C-T. GRCh37 (hg19) VCF-style: chr16-88908320-C-T.
Other names: c.-252G>A (NM_001323543.2); c.322G>A, p.Ala108Thr (NM_001323544.2); short protein forms A108T, A102T.
Identifiers: ClinVar variation 1472294 (VCV001472294.6), dbSNP rs372585484, ClinGen allele CA8235219.